The following is an entry in ClinVar:

NM_006895.3(HNMT):c.558C>G (p.Tyr186Ter)

Gene: HNMT (histamine N-methyltransferase; plus strand). Cytogenetic location: 2q22.1.
Variant type: single nucleotide variant.
Coding change: c.558C>G on transcript NM_006895.3 (MANE Select); coding-DNA position 558, C replaced by G.
Protein change: p.Tyr186Ter; replaces tyrosine 186 with a stop codon.
Molecular consequence: nonsense.
Genome position (GRCh38, 1-based): chr2:138,013,809, C>G. VCF-style: chr2-138013809-C-G. GRCh37 (hg19) VCF-style: chr2-138771379-C-G.
Other names: short protein forms Y186*.
Identifiers: ClinVar variation 3896081 (VCV003896081.1).

ClinVar aggregate classification (germline): Uncertain significance (1 of 4 stars; one submission).

gnomAD v4.1: 1 of 1,613,096 alleles (0.000062%); highest among the groups gnomAD compares: South Asian, 0.0011%; no homozygotes.

Submission:

Women's Health and Genetics/Laboratory Corporation of America, LabCorp
Classification: Uncertain significance. Last evaluated: 2025-03-19. Review status: criteria provided, single submitter. Criteria: LabCorp Variant Classification Summary - May 2015. Collection method: clinical testing. Allele origin: germline.
Comment: Variant summary: HNMT c.558C>G (p.Tyr186X) results in a premature termination codon, predicted to cause a truncation of the encoded protein but is not expected to result in nonsense mediated decay. The variant was absent in 249420 control chromosomes (gnomAD). The available data on variant occurrences in the general population are insufficient to allow any conclusion about variant significance. To our knowledge, no occurrence of c.558C>G in individuals affected with HNMT-Related Disorders and no experimental evidence demonstrating its impact on protein function have been reported. No submitters have cited clinical-significance assessments for this variant to ClinVar. Based on the evidence outlined above, the variant was classified as uncertain significance.